The following is an entry in ClinVar:

NM_016122.3(CEP83):c.1060_1063del (p.Asp354fs)

Gene: CEP83 (centrosomal protein 83; minus strand). Cytogenetic location: 12q22.
Variant type: Deletion.
Coding change: c.1060_1063del on transcript NM_016122.3 (MANE Select); coding-DNA positions 1060 to 1063, 4 bases deleted (GACA; older notation c.1060_1063delGACA).
Protein change: p.Asp354fs; shifts the reading frame from aspartic acid 354.
Molecular consequence: frameshift variant. On other transcripts: non-coding transcript variant (1).
Genome position (GRCh38, 1-based): chr12:94,368,187-94,368,190, TGTC deleted on the plus strand (GACA on the coding strand, the reverse complement: CEP83 is on the minus strand); deleting any 4 consecutive bases within chr12:94,368,187-94,368,192 gives the same sequence; the c. name uses the placement nearest the transcript's 3' end. VCF-style (leftmost placement, unchanged base first): chr12-94368186-TTGTC-T. GRCh37 (hg19) VCF-style: chr12-94761962-TTGTC-T.
Other names: c.1060_1063del, p.Asp354fs (NM_001042399.2, NM_001346457.2, NM_001368037.1 and 1 more transcripts); c.748_751del, p.Asp250fs (NM_001346458.2, NM_001346459.2, NM_001368039.1 and 1 more transcripts); c.835_838del, p.Asp279fs (NM_001368041.1); short protein forms D250fs, D279fs, D354fs.
Identifiers: ClinVar variation 1072001 (VCV001072001.7), dbSNP rs1276979881, ClinGen allele CA606980897.

ClinVar aggregate classification (germline): Pathogenic (1 of 4 stars; one submission).

Conditions:
Nephronophthisis 18 (NPHP18). Identifiers: Orphanet 655, MedGen C3890591, MONDO:0014374, OMIM 615862.

Submission:

Labcorp Genetics (formerly Invitae), Labcorp
Classification: Pathogenic for Nephronophthisis 18. Last evaluated: 2022-09-12. Review status: criteria provided, single submitter. Criteria: Invitae Variant Classification Sherloc (09022015). Collection method: clinical testing. Allele origin: germline.
Comment: For these reasons, this variant has been classified as Pathogenic. This sequence change creates a premature translational stop signal (p.Asp354Metfs*15) in the CEP83 gene. It is expected to result in an absent or disrupted protein product. Loss-of-function variants in CEP83 are known to be pathogenic (PMID: 23530209, 24882706). The frequency data for this variant in the population databases is considered unreliable, as metrics indicate poor data quality at this position in the gnomAD database. This variant has not been reported in the literature in individuals affected with CEP83-related conditions. ClinVar contains an entry for this variant (Variation ID: 1072001).

Literature cited by the submitters: PubMed 23530209; PubMed 24882706.